The following is an entry in ClinVar:

ClinVar aggregate classification (germline): Pathogenic (1 of 4 stars; one submission).

Conditions:
Ehlers-Danlos syndrome, classic type, 1 (EDSCL1). Also called: EHLERS-DANLOS SYNDROME, GRAVIS TYPE; EHLERS-DANLOS SYNDROME, SEVERE CLASSIC TYPE; Ehlers-Danlos syndrome, type 1; Ehlers-Danlos Syndrome, Classic Type, COL5A1-Related; EDS I. Identifiers: MedGen C0268335, MONDO:0019567, OMIM 130000.

Submission:

Women's Health and Genetics/Laboratory Corporation of America, LabCorp
Classification: Pathogenic for Ehlers-Danlos syndrome, classic type, 1. Last evaluated: 2025-06-19. Review status: criteria provided, single submitter. Criteria: LabCorp Variant Classification Summary - May 2015. Collection method: clinical testing. Allele origin: germline.
Comment: Variant summary: COL5A1 c.3170delG (p.Gly1057ValfsX17) results in a premature termination codon, predicted to cause a truncation of the encoded protein or absence of the protein due to nonsense mediated decay, which are commonly known mechanisms for disease. The variant was absent in 251244 control chromosomes (gnomAD). To our knowledge, no occurrence of c.3170delG in individuals affected with Ehlers-Danlos syndrome, classic type, Ehlers-Danlos syndrome, classic type, 1 and no experimental evidence demonstrating its impact on protein function have been reported. No submitters have cited clinical-significance assessments for this variant to ClinVar. Based on the evidence outlined above, the variant was classified as pathogenic.

NM_000093.5(COL5A1):c.3170del (p.Gly1057fs)

Gene: COL5A1 (collagen type V alpha 1 chain; plus strand). Cytogenetic location: 9q34.3.
Variant type: Deletion.
Coding change: c.3170del on transcript NM_000093.5 (MANE Select); coding-DNA position 3170, one base deleted (G; older notation c.3170delG).
Protein change: p.Gly1057fs; shifts the reading frame from glycine 1057.
Molecular consequence: frameshift variant.
Genome position (GRCh38, 1-based): chr9:134,805,030, G deleted; the last of 2 consecutive G bases (chr9:134,805,029-134,805,030); deleting either gives the same sequence. VCF-style (leftmost placement, unchanged base first): chr9-134805028-TG-T. GRCh37 (hg19) VCF-style: chr9-137696874-TG-T.
Other names: c.3170delG (NM_000093.5); c.3170del, p.Gly1057fs (NM_001278074.1); short protein forms G1057fs.
Identifiers: ClinVar variation 3907646 (VCV003907646.1).
Genomic context (GRCh38, chr9:134,805,028, plus strand): 5'-TTTTCAGGGTGACCCAGGCCCTGCAGGCCTCCCTGGGAAAGATGGCCCTCCAGGATTACG[TG>T]GTTTCCCTGGGGACCGAGGGCTTCCTGGTCCAGTGGTGAGTGAGAGGCCAGGCGGGGAAT-3'